The following is an entry in ClinVar:

NM_004563.4(PCK2):c.1155C>T (p.Gly385=)

Genes: NRL (neural retina leucine zipper; minus strand), PCK2 (phosphoenolpyruvate carboxykinase 2, mitochondrial; plus strand). Cytogenetic location: 14q12.
Variant type: single nucleotide variant.
Coding change: c.1155C>T on transcript NM_004563.4 (MANE Select); coding-DNA position 1155, C replaced by T.
Protein change: p.Gly385=; no amino-acid change (glycine 385 retained).
Molecular consequence: synonymous variant. On other transcripts: intron variant (3).
Genome position (GRCh38, 1-based): chr14:24,100,134, C>T. VCF-style: chr14-24100134-C-T. GRCh37 (hg19) VCF-style: chr14-24569343-C-T.
Other names: c.1155C>T (NM_004563.3); c.1155C>T, p.Gly385= (NM_001018073.3); c.753C>T, p.Gly251= (NM_001291556.2, NM_001308054.2); c.-28+14588G>A (NM_001354768.3, NM_001354770.2); c.-254+14588G>A (NM_006177.5).
Identifiers: ClinVar variation 2752259 (VCV002752259.5), dbSNP rs564021964, ClinGen allele CA7123375.

ClinVar aggregate classification (germline): Benign/Likely benign. Review status: criteria provided, multiple submitters, no conflicts (2 of 4 stars). 2 submissions from 2 submitters: Benign (1); Likely benign (1). Last evaluated 2026-02-12.

Conditions:
PCK2-related disorder. Also called: PCK2-related condition.

Allele frequency attached by ClinVar (database versions not stated): TOPMed 0.00005; gnomAD 0.00013; 1000 Genomes Project 30x 0.00047; ExAC 0.00048; 1000 Genomes Project 0.00060.
gnomAD v4.1: 417 of 1,613,396 alleles (0.026%); highest among the groups gnomAD compares: South Asian, 0.22%; 2 homozygotes.

Submissions (4):

PreventionGenetics, part of Exact Sciences
Classification: Likely benign for PCK2-related condition. Last evaluated: 2026-02-12. Review status: criteria provided, single submitter. Criteria: ACMG Guidelines, 2015. Collection method: clinical testing. Allele origin: germline.
Comment: This variant is classified as likely benign based on ACMG/AMP sequence variant interpretation guidelines (Richards et al. 2015 PMID: 25741868, with internal and published modifications).

Labcorp Genetics (formerly Invitae), Labcorp
Classification: Benign. Last evaluated: 2025-09-04. Review status: criteria provided, single submitter. Criteria: Invitae Variant Classification Sherloc (09022015). Collection method: clinical testing. Allele origin: germline.

Dr. Peter K. Rogan Lab, Western University
No classification provided (evidence only). Condition: Clear cell carcinoma of kidney. Review status: no classification provided. Collection method: in vitro. Allele origin: not applicable. Functional consequence: retained intron. Not counted in ClinVar's aggregate classification.

Dr. Peter K. Rogan Lab, Western University
No classification provided (evidence only). Condition: Familial cancer of breast. Review status: no classification provided. Collection method: in vitro. Allele origin: not applicable. Functional consequence: retained intron. Not counted in ClinVar's aggregate classification.